The following is an entry in ClinVar:

NM_024408.4(NOTCH2):c.2338A>G (p.Arg780Gly)

Gene: NOTCH2 (notch receptor 2; minus strand). Cytogenetic location: 1p12.
Variant type: single nucleotide variant.
Coding change: c.2338A>G on transcript NM_024408.4 (MANE Select); coding-DNA position 2338, A replaced by G.
Protein change: p.Arg780Gly; replaces arginine 780 with glycine.
Molecular consequence: missense variant.
Genome position (GRCh38, 1-based): chr1:119,953,570, T>C on the plus strand (A>G on the coding strand, the complement: NOTCH2 is on the minus strand). VCF-style: chr1-119953570-T-C. GRCh37 (hg19) VCF-style: chr1-120496193-T-C.
Other names: c.2338A>G, p.Arg780Gly (NM_001200001.2); c.2338A>G (NM_024408.3); short protein forms R780G.
Identifiers: ClinVar variation 2804955 (VCV002804955.6), dbSNP rs782487598, ClinGen allele CA1040336.

ClinVar aggregate classification (germline): Uncertain significance. Review status: criteria provided, multiple submitters, no conflicts (2 of 4 stars). 3 submissions from 3 submitters: Uncertain significance (3). Last evaluated 2025-10-07.

Conditions:
Alagille syndrome due to a NOTCH2 point mutation. Also called: Alagille syndrome 2. Identifiers: Orphanet 261629, Orphanet 52, MedGen C1857761, MONDO:0012439, OMIM 610205.
Inborn genetic diseases. Identifiers: MedGen C0950123, MeSH D030342.
Hajdu-Cheney syndrome (HJCYS). Also called: Acroosteolysis dominant type; ACROOSTEOLYSIS WITH OSTEOPOROSIS AND CHANGES IN SKULL AND MANDIBLE; SERPENTINE FIBULA-POLYCYSTIC KIDNEY SYNDROME. Identifiers: Orphanet 955, MedGen C0917715, MONDO:0007057, OMIM 102500.

Allele frequency attached by ClinVar (database versions not stated): gnomAD exomes below 0.00001; ExAC 0.00001.
gnomAD v4.1: 2 of 1,614,208 alleles (0.00012%); highest among the groups gnomAD compares: South Asian, 0.0011%; no homozygotes.

Submissions (3):

Ambry Genetics
Classification: Uncertain significance for Inborn genetic diseases. Last evaluated: 2025-10-07. Review status: criteria provided, single submitter. Criteria: Ambry Variant Classification Scheme 2023. Collection method: clinical testing. Allele origin: germline.

Labcorp Genetics (formerly Invitae), Labcorp
Classification: Uncertain significance for Hajdu-Cheney syndrome. Last evaluated: 2023-06-06. Review status: criteria provided, single submitter. Criteria: Invitae Variant Classification Sherloc (09022015). Collection method: clinical testing. Allele origin: germline.
Comment: In summary, the available evidence is currently insufficient to determine the role of this variant in disease. Therefore, it has been classified as a Variant of Uncertain Significance. Advanced modeling of protein sequence and biophysical properties (such as structural, functional, and spatial information, amino acid conservation, physicochemical variation, residue mobility, and thermodynamic stability) performed at Invitae indicates that this missense variant is not expected to disrupt NOTCH2 protein function. This sequence change replaces arginine, which is basic and polar, with glycine, which is neutral and non-polar, at codon 780 of the NOTCH2 protein (p.Arg780Gly). This variant is present in population databases (rs782487598, gnomAD 0.003%). This variant has not been reported in the literature in individuals affected with NOTCH2-related conditions.

Neuberg Centre For Genomic Medicine, NCGM
Classification: Uncertain significance for Alagille syndrome due to a NOTCH2 point mutation. Review status: criteria provided, single submitter. Criteria: ACMG Guidelines, 2015. Collection method: clinical testing. Allele origin: germline. Inheritance: Autosomal dominant inheritance. Affected: yes.
Comment: The missense c.2338A>G p.Arg780Gly variant in the NOTCH2 gene has not been reported previously as a pathogenic variant nor as a benign variant, to our knowledge. This variant is reported with the allele frequency of 0.0007% in the gnomAD Exomes. The amino acid Arginine at position 780 is changed to a Glycine changing protein sequence and it might alter its composition and physico-chemical properties. Computational evidence Polyphen - Damaging/Benign, SIFT - Tolerated, and MutationTaster - Disease causing predicts conflicting evidence on protein structure and function for this variant. For these reasons, this variant has been classified as Uncertain Significance.